The following is an entry in ClinVar:

ClinVar aggregate classification (germline): Uncertain significance (1 of 4 stars; one submission).

gnomAD v4.1: 1 of 1,209,222 alleles (0.000083%); highest among the groups gnomAD compares: South Asian, 0.0018%; no homozygotes.

Submission:

Labcorp Genetics (formerly Invitae), Labcorp
Classification: Uncertain significance. Last evaluated: 2024-04-03. Review status: criteria provided, single submitter. Criteria: Invitae Variant Classification Sherloc (09022015). Collection method: clinical testing. Allele origin: germline.
Comment: This sequence change replaces serine, which is neutral and polar, with threonine, which is neutral and polar, at codon 3349 of the HUWE1 protein (p.Ser3349Thr). This variant is not present in population databases (gnomAD no frequency). This variant has not been reported in the literature in individuals affected with HUWE1-related conditions. Advanced modeling of protein sequence and biophysical properties (such as structural, functional, and spatial information, amino acid conservation, physicochemical variation, residue mobility, and thermodynamic stability) has been performed at Invitae for this missense variant, however the output from this modeling did not meet the statistical confidence thresholds required to predict the impact of this variant on HUWE1 protein function. In summary, the available evidence is currently insufficient to determine the role of this variant in disease. Therefore, it has been classified as a Variant of Uncertain Significance.

NM_031407.7(HUWE1):c.10046G>C (p.Ser3349Thr)

Gene: HUWE1 (HECT, UBA and WWE domain containing E3 ubiquitin protein ligase 1; minus strand). Cytogenetic location: Xp11.22.
Variant type: single nucleotide variant.
Coding change: c.10046G>C on transcript NM_031407.7 (MANE Select); coding-DNA position 10046, G replaced by C.
Protein change: p.Ser3349Thr; replaces serine 3349 with threonine.
Molecular consequence: missense variant.
Genome position (GRCh38, 1-based): chrX:53,548,263, C>G on the plus strand (G>C on the coding strand, the complement: HUWE1 is on the minus strand). VCF-style: chrX-53548263-C-G. GRCh37 (hg19) VCF-style: chrX-53575224-C-G.
Other names: short protein forms S3349T.
Identifiers: ClinVar variation 3634919 (VCV003634919.2).